The following is an entry in ClinVar:

ClinVar aggregate classification (germline): Uncertain significance (1 of 4 stars; one submission).

Conditions:
Neuropathy, hereditary sensory and autonomic, type 2A (HSAN2A). Also called: WNK1-Related HSAN2 (HSAN2A); ACROOSTEOLYSIS, GIACCAI TYPE; ACROOSTEOLYSIS, NEUROGENIC; HSAN IIA; MORVAN DISEASE; NEUROPATHY, CONGENITAL SENSORY. Identifiers: Orphanet 970, MedGen C2752089, MONDO:0024309, OMIM 201300.
Generalized epilepsy with febrile seizures plus, type 7 (GEFSP7). Also called: GEFS+, TYPE 7. Identifiers: Orphanet 36387, MedGen C2751778, MONDO:0013470, OMIM 613863.

Allele frequency attached by ClinVar (database versions not stated): gnomAD 0.00001 and 0.00003; TOPMed 0.00002.

Submission:

Labcorp Genetics (formerly Invitae), Labcorp
Classification: Uncertain significance for Neuropathy, hereditary sensory and autonomic, type 2A; Generalized epilepsy with febrile seizures plus, type 7. Last evaluated: 2025-02-26. Review status: criteria provided, single submitter. Criteria: Invitae Variant Classification Sherloc (09022015). Collection method: clinical testing. Allele origin: germline.
Comment: This sequence change replaces valine, which is neutral and non-polar, with alanine, which is neutral and non-polar, at codon 628 of the SCN9A protein (p.Val628Ala). This variant is present in population databases (rs543721260, gnomAD no frequency). This variant has not been reported in the literature in individuals affected with SCN9A-related conditions. ClinVar contains an entry for this variant (Variation ID: 1470368). Invitae Evidence Modeling of protein sequence and biophysical properties (such as structural, functional, and spatial information, amino acid conservation, physicochemical variation, residue mobility, and thermodynamic stability) indicates that this missense variant is not expected to disrupt SCN9A protein function with a negative predictive value of 95%. In summary, the available evidence is currently insufficient to determine the role of this variant in disease. Therefore, it has been classified as a Variant of Uncertain Significance.

NM_001365536.1(SCN9A):c.1883T>C (p.Val628Ala)

Genes: SCN9A (sodium voltage-gated channel alpha subunit 9; minus strand), SCN1A-AS1 (SCN1A and SCN9A antisense RNA 1; plus strand). Cytogenetic location: 2q24.3.
Variant type: single nucleotide variant.
Coding change: c.1883T>C on transcript NM_001365536.1 (MANE Select); coding-DNA position 1883, T replaced by C.
Protein change: p.Val628Ala; replaces valine 628 with alanine.
Molecular consequence: missense variant.
Genome position (GRCh38, 1-based): chr2:166,284,544, A>G on the plus strand (T>C on the coding strand, the complement: SCN9A is on the minus strand). VCF-style: chr2-166284544-A-G. GRCh37 (hg19) VCF-style: chr2-167141054-A-G.
Other names: c.1883T>C, p.Val628Ala (NM_002977.4); short protein forms V628A.
Identifiers: ClinVar variation 1470368 (VCV001470368.6), dbSNP rs543721260, ClinGen allele CA59799340.
Genomic context (GRCh38, chr2:166,284,544, plus strand): 5'-ACCTCTGGCAGAAGCTGTCCATTGGGGAGCATGAGGGCTGAGCGTCCATCAACCAGGGAG[A>G]CCACACCGTTGCAGTCCACAGCACTGTGCATTTTCCCGTTCACCGGCAGCATTGGTGGGG-3'
Protein context (NP_001352465.1, residues 618-638): MHSAVDCNGV[Val628Ala]SLVDGRSALM